The following is an entry in ClinVar:

ClinVar aggregate classification (germline): Uncertain significance (1 of 4 stars; one submission).

Conditions:
Primary ciliary dyskinesia. Also called: Ciliary dyskinesia. Identifiers: Orphanet 244, MedGen C0008780, MONDO:0016575, HP:0012265.

Allele frequency attached by ClinVar (database versions not stated): TOPMed below 0.00001; gnomAD 0.00001; ESP Exome Variant Server 0.00008.
gnomAD v4.1: 4 of 1,613,962 alleles (0.00025%); highest among the groups gnomAD compares: Non-Finnish European, 0.00034%; no homozygotes.

Submission:

Labcorp Genetics (formerly Invitae), Labcorp
Classification: Uncertain significance for Primary ciliary dyskinesia. Last evaluated: 2022-03-19. Review status: criteria provided, single submitter. Criteria: Invitae Variant Classification Sherloc (09022015). Collection method: clinical testing. Allele origin: germline.
Comment: This sequence change replaces threonine, which is neutral and polar, with serine, which is neutral and polar, at codon 215 of the DNAAF5 protein (p.Thr215Ser). In summary, the available evidence is currently insufficient to determine the role of this variant in disease. Therefore, it has been classified as a Variant of Uncertain Significance. Algorithms developed to predict the effect of sequence changes on RNA splicing suggest that this variant may create or strengthen a splice site. Algorithms developed to predict the effect of missense changes on protein structure and function output the following: SIFT: "Tolerated"; PolyPhen-2: "Benign"; Align-GVGD: "Class C0". The serine amino acid residue is found in multiple mammalian species, which suggests that this missense change does not adversely affect protein function. This variant has not been reported in the literature in individuals affected with DNAAF5-related conditions. This variant is present in population databases (rs145219827, gnomAD 0.0009%).

NM_017802.4(DNAAF5):c.643A>T (p.Thr215Ser)

Gene: DNAAF5 (dynein axonemal assembly factor 5; plus strand). Cytogenetic location: 7p22.3.
Variant type: single nucleotide variant.
Coding change: c.643A>T on transcript NM_017802.4 (MANE Select); coding-DNA position 643, A replaced by T.
Protein change: p.Thr215Ser; replaces threonine 215 with serine.
Molecular consequence: missense variant.
Genome position (GRCh38, 1-based): chr7:729,710, A>T. VCF-style: chr7-729710-A-T. GRCh37 (hg19) VCF-style: chr7-769347-A-T.
Other names: short protein forms T215S.
Identifiers: ClinVar variation 2114361 (VCV002114361.4), dbSNP rs145219827, ClinGen allele CA4110393.